The following is an entry in ClinVar:

ClinVar aggregate classification (germline): Pathogenic (1 of 4 stars; one submission).

Conditions:
3-methylcrotonyl-CoA carboxylase 1 deficiency (MCC1D). Also called: MCCD TYPE 1; METHYLCROTONYLGLYCINURIA TYPE I; MCC 1 deficiency; 3 Alpha methylcrotonylglycinuria 1. Identifiers: Orphanet 6, MedGen CN028786, MONDO:0008861, OMIM 210200.

Submission:

Labcorp Genetics (formerly Invitae), Labcorp
Classification: Pathogenic for 3-methylcrotonyl-CoA carboxylase 1 deficiency. Last evaluated: 2022-06-16. Review status: criteria provided, single submitter. Criteria: Invitae Variant Classification Sherloc (09022015). Collection method: clinical testing. Allele origin: germline.
Comment: This variant is not present in population databases (gnomAD no frequency). For these reasons, this variant has been classified as Pathogenic. Algorithms developed to predict the effect of sequence changes on RNA splicing suggest that this variant may disrupt the consensus splice site. This variant has not been reported in the literature in individuals affected with MCCC1-related conditions. This sequence change creates a premature translational stop signal (p.Arg254Serfs*3) in the MCCC1 gene. It is expected to result in an absent or disrupted protein product. Loss-of-function variants in MCCC1 are known to be pathogenic (PMID: 11181649, 15359379, 22642865).

Literature cited by the submitters: PubMed 11181649; PubMed 15359379; PubMed 22642865.

NC_000003.12:g.183057423del

Gene: MCCC1 (methylcrotonyl-CoA carboxylase subunit 1; minus strand). Cytogenetic location: 3q27.1.
Variant type: Deletion.
Genome position: GRCh38 VCF-style: chr3-183057421-GC-G. GRCh37 (hg19) VCF-style: chr3-182775209-GC-G.
Identifiers: ClinVar variation 1926425 (VCV001926425.6), dbSNP rs2530274504, ClinGen allele CA2577969958.